The following is an entry in ClinVar:

NM_001386298.1(CIC):c.4595G>T (p.Gly1532Val)

Gene: CIC (capicua transcriptional repressor; plus strand). Cytogenetic location: 19q13.2.
Variant type: single nucleotide variant.
Coding change: c.4595G>T on transcript NM_001386298.1 (MANE Select); coding-DNA position 4595, G replaced by T.
Protein change: p.Gly1532Val; replaces glycine 1532 with valine.
Molecular consequence: missense variant.
Genome position (GRCh38, 1-based): chr19:42,290,636, G>T. VCF-style: chr19-42290636-G-T. GRCh37 (hg19) VCF-style: chr19-42794788-G-T.
Other names: c.4595G>T, p.Gly1532Val (NM_001304815.2, NM_001379480.1, NM_001379482.1 and 1 more transcripts); c.1868G>T, p.Gly623Val (NM_001379484.1, NM_001379485.1, NM_015125.5); short protein forms G1532V, G623V.
Identifiers: ClinVar variation 2629596 (VCV002629596.1), dbSNP rs891723299, ClinGen allele CA308630047.

ClinVar aggregate classification (germline): Uncertain significance (1 of 4 stars; one submission).

Conditions:
CIC-related disorder. Also called: CIC-related condition.

gnomAD v4.1: 1 of 1,613,654 alleles (0.000062%); highest among the groups gnomAD compares: Non-Finnish European, 0.000085%; no homozygotes.

Submission:

PreventionGenetics, part of Exact Sciences
Classification: Uncertain significance for CIC-related condition. Last evaluated: 2022-12-08. Review status: criteria provided, single submitter. Criteria: ACMG Guidelines, 2015. Collection method: clinical testing. Allele origin: germline.
Comment: The CIC c.1868G>T variant is predicted to result in the amino acid substitution p.Gly623Val. To our knowledge, this variant has not been reported in the literature. This variant is reported in 0.0065% of alleles in individuals of European (Non-Finnish) descent in gnomAD. At this time, the clinical significance of this variant is uncertain due to the absence of conclusive functional and genetic evidence.